The following is an entry in ClinVar:

NM_001283009.2(RTEL1):c.3540G>C (p.Lys1180Asn)

Genes: RTEL1 (regulator of telomere elongation helicase 1; plus strand), RTEL1-TNFRSF6B (RTEL1-TNFRSF6B readthrough (NMD candidate); plus strand). Cytogenetic location: 20q13.33.
Variant type: single nucleotide variant.
Coding change: c.3540G>C on transcript NM_001283009.2 (MANE Select); coding-DNA position 3540, G replaced by C.
Protein change: p.Lys1180Asn; replaces lysine 1180 with asparagine.
Molecular consequence: missense variant. On other transcripts: non-coding transcript variant (1).
Genome position (GRCh38, 1-based): chr20:63,695,368, G>C. VCF-style: chr20-63695368-G-C. GRCh37 (hg19) VCF-style: chr20-62326721-G-C.
Other names: c.2871G>C, p.Lys957Asn (NM_001283010.1); c.3540G>C, p.Lys1180Asn (NM_016434.4); c.3612G>C, p.Lys1204Asn (NM_032957.5); short protein forms K957N, K1180N, K1204N.
Identifiers: ClinVar variation 4629524 (VCV004629524.1).
Genomic context (GRCh38, chr20:63,695,368, plus strand): 5'-ACTCAAGTCTCTGTCTCCAGGCCCCTCACGGTCCGAGAAGACCGGGAAGACCCAGAGCAA[G>C]ATCTCGTCCTTCCTTAGACAGAGGCCAGCAGGGACTGTGGGGGCGGGCGGTGAGGATGCA-3'
Protein context (NP_001269938.1, residues 1170-1190): RSEKTGKTQS[Lys1180Asn]ISSFLRQRPA

ClinVar aggregate classification (germline): Uncertain significance (1 of 4 stars; one submission).

Conditions:
Inborn genetic diseases. Identifiers: MedGen C0950123, MeSH D030342.

Submission:

Ambry Genetics
Classification: Uncertain significance for Inborn genetic diseases. Last evaluated: 2025-09-29. Review status: criteria provided, single submitter. Criteria: Ambry Variant Classification Scheme 2023. Collection method: clinical testing. Allele origin: germline.
Comment: The p.K1180N variant (also known as c.3540G>C), located in coding exon 33 of the RTEL1 gene, results from a G to C substitution at nucleotide position 3540. The lysine at codon 1180 is replaced by asparagine, an amino acid with similar properties. This amino acid position is conserved. In addition, this alteration is predicted to be tolerated by in silico analysis. Based on the available evidence, the clinical significance of this variant remains unclear.